The following is an entry in ClinVar:

ClinVar aggregate classification (germline): Uncertain significance (1 of 4 stars; one submission).

Conditions:
Autosomal recessive limb-girdle muscular dystrophy type 2F (LGMDR6). Also called: Muscular dystrophy limb-girdle with delta-sarcoglyan deficiency; MUSCULAR DYSTROPHY, LIMB-GIRDLE, AUTOSOMAL RECESSIVE 6. Identifiers: Orphanet 219, MedGen C1832525, MONDO:0011028, OMIM 601287. Disease mechanism: Affects gamma-sarcoglycan and also disrupts the integrity of the entire sarcoglycan complex..

Allele frequency attached by ClinVar (database versions not stated): gnomAD exomes 0.00001; TOPMed 0.00001.
gnomAD v4.1: 2 of 1,608,676 alleles (0.00012%); highest among the groups gnomAD compares: Admixed American, 0.0034%; no homozygotes.

Submission:

Labcorp Genetics (formerly Invitae), Labcorp
Classification: Uncertain significance for Autosomal recessive limb-girdle muscular dystrophy type 2F. Last evaluated: 2021-08-28. Review status: criteria provided, single submitter. Criteria: Invitae Variant Classification Sherloc (09022015). Collection method: clinical testing. Allele origin: germline.
Comment: This sequence change replaces serine with asparagine at codon 12 of the SGCD protein (p.Ser12Asn). The serine residue is moderately conserved and there is a small physicochemical difference between serine and asparagine. This variant is not present in population databases (ExAC no frequency). This variant has not been reported in the literature in individuals affected with SGCD-related conditions. Algorithms developed to predict the effect of missense changes on protein structure and function output the following: SIFT: "Tolerated"; PolyPhen-2: "Benign"; Align-GVGD: "Class C0". The asparagine amino acid residue is found in multiple mammalian species, which suggests that this missense change does not adversely affect protein function. In summary, the available evidence is currently insufficient to determine the role of this variant in disease. Therefore, it has been classified as a Variant of Uncertain Significance.

NM_000337.6(SGCD):c.35G>A (p.Ser12Asn)

Gene: SGCD (sarcoglycan delta; plus strand). Cytogenetic location: 5q33.3.
Variant type: single nucleotide variant.
Coding change: c.35G>A on transcript NM_000337.6 (MANE Select); coding-DNA position 35, G replaced by A.
Protein change: p.Ser12Asn; replaces serine 12 with asparagine.
Molecular consequence: missense variant.
Genome position (GRCh38, 1-based): chr5:156,344,520, G>A. VCF-style: chr5-156344520-G-A. GRCh37 (hg19) VCF-style: chr5-155771530-G-A.
Other names: c.32G>A, p.Ser11Asn (NM_001128209.2); c.35G>A, p.Ser12Asn (NM_172244.3); short protein forms S11N, S12N.
Identifiers: ClinVar variation 1010739 (VCV001010739.6), dbSNP rs1449665448, ClinGen allele CA362007561.